The following is an entry in ClinVar:

ClinVar aggregate classification (germline): Likely benign (0 of 4 stars; one submission).

Conditions:
ACACB-related disorder. Also called: ACACB-related condition.

Allele frequency attached by ClinVar (database versions not stated): gnomAD exomes 0.00001.
gnomAD v4.1: 4 of 1,614,164 alleles (0.00025%); highest among the groups gnomAD compares: South Asian, 0.0033%; no homozygotes.

Submission:

PreventionGenetics, part of Exact Sciences
Classification: Likely benign for ACACB-related condition. Last evaluated: 2019-05-17. Review status: no assertion criteria provided. Collection method: clinical testing. Allele origin: germline.
Comment: This variant is classified as likely benign based on ACMG/AMP sequence variant interpretation guidelines (Richards et al. 2015 PMID: 25741868, with internal and published modifications).

NM_001093.4(ACACB):c.6825G>C (p.Leu2275=)

Gene: ACACB (acetyl-CoA carboxylase beta; plus strand). Cytogenetic location: 12q24.11.
Variant type: single nucleotide variant.
Coding change: c.6825G>C on transcript NM_001093.4 (MANE Select); coding-DNA position 6825, G replaced by C.
Protein change: p.Leu2275=; no amino-acid change (leucine 2275 retained).
Molecular consequence: synonymous variant.
Genome position (GRCh38, 1-based): chr12:109,264,269, G>C. VCF-style: chr12-109264269-G-C. GRCh37 (hg19) VCF-style: chr12-109702074-G-C.
Other names: c.6825G>C, p.Leu2275= (NM_001412734.1, NM_001412735.1); c.6219G>C, p.Leu2073= (NM_001412736.1); c.6198G>C, p.Leu2066= (NM_001412737.1); c.6030G>C, p.Leu2010= (NM_001412738.1).
Identifiers: ClinVar variation 3041561 (VCV003041561.2), dbSNP rs768347083, ClinGen allele CA6775244.
Genomic context (GRCh38, chr12:109,264,269, plus strand): 5'-CTGGCCTTTCTGCTCACCTGCAGGGGAACCTGATCTCTCCGACAAGGACCGAAAGGACCT[G>C]GAGGGCCGGCTAAAGGCTCGCGAGGACCTGCTGCTCCCCATCTACCACCAGGTGGCGGTG-3'
Protein context (NP_001084.3, residues 2265-2285): PDLSDKDRKD[Leu2275=]EGRLKAREDL